The following is an entry in ClinVar:

NM_006648.4(WNK2):c.3964C>A (p.Pro1322Thr)

Gene: WNK2 (WNK lysine deficient protein kinase 2; plus strand). Cytogenetic location: 9q22.31.
Variant type: single nucleotide variant.
Coding change: c.3964C>A on transcript NM_006648.4 (MANE Select); coding-DNA position 3964, C replaced by A.
Protein change: p.Pro1322Thr; replaces proline 1322 with threonine.
Molecular consequence: missense variant.
Genome position (GRCh38, 1-based): chr9:93,268,677, C>A. VCF-style: chr9-93268677-C-A. GRCh37 (hg19) VCF-style: chr9-96030959-C-A.
Other names: c.3964C>A, p.Pro1322Thr (NM_001282394.3); short protein forms P1322T.
Identifiers: ClinVar variation 3817213 (VCV003817213.1).

ClinVar aggregate classification (germline): Uncertain significance (1 of 4 stars; one submission).

Submission:

Ambry Genetics
Classification: Uncertain significance. Last evaluated: 2025-03-05. Review status: criteria provided, single submitter. Criteria: Ambry Variant Classification Scheme 2023. Collection method: clinical testing. Allele origin: germline.
Comment: The p.P1322T variant (also known as c.3964C>A), located in coding exon 18 of the WNK2 gene, results from a C to A substitution at nucleotide position 3964. The proline at codon 1322 is replaced by threonine, an amino acid with highly similar properties. This amino acid position is conserved. In addition, this alteration is predicted to be tolerated by in silico analysis. Based on the available evidence, the clinical significance of this variant remains unclear.